The following is an entry in ClinVar:

ClinVar aggregate classification (germline): Benign/Likely benign. Review status: criteria provided, multiple submitters, no conflicts (2 of 4 stars). 3 submissions from 3 submitters: Benign (2); Likely benign (1). Last evaluated 2026-01-26.

Allele frequency attached by ClinVar (database versions not stated): gnomAD exomes 0.00047; gnomAD 0.00494; ESP Exome Variant Server 0.00504; TOPMed 0.00545; 1000 Genomes Project 0.00599; 1000 Genomes Project 30x 0.00625.
gnomAD v4.1: 1,554 of 1,612,910 alleles (0.096%); highest among the groups gnomAD compares: African/African-American, 1.7%; 19 homozygotes.

Submissions (3):

Labcorp Genetics (formerly Invitae), Labcorp
Classification: Benign. Last evaluated: 2026-01-26. Review status: criteria provided, single submitter. Criteria: Invitae Variant Classification Sherloc (09022015). Collection method: clinical testing. Allele origin: germline.

Mayo Clinic Laboratories, Mayo Clinic
Classification: Likely benign. Last evaluated: 2025-07-25. Review status: criteria provided, single submitter. Criteria: ACMG Guidelines, 2015. Collection method: clinical testing. Allele origin: germline. Observed: 3 variant alleles.
Comment: BA1, BS2

Breakthrough Genomics
Classification: Benign. Review status: criteria provided, single submitter. Criteria: ACMG Guidelines, 2015. Collection method: not provided. Allele origin: germline. Inheritance: Autosomal recessive inheritance. Affected: yes.

NM_020680.4(SCYL1):c.373G>A (p.Val125Met)

Gene: SCYL1 (SCY1 like pseudokinase 1; plus strand). Cytogenetic location: 11q13.1.
Variant type: single nucleotide variant.
Coding change: c.373G>A on transcript NM_020680.4 (MANE Select); coding-DNA position 373, G replaced by A.
Protein change: p.Val125Met; replaces valine 125 with methionine.
Molecular consequence: missense variant.
Genome position (GRCh38, 1-based): chr11:65,526,041, G>A. VCF-style: chr11-65526041-G-A. GRCh37 (hg19) VCF-style: chr11-65293512-G-A.
Other names: p.Val125Met; c.373G>A, p.Val125Met (NM_001048218.2); short protein forms V125M.
Identifiers: ClinVar variation 727353 (VCV000727353.11), dbSNP rs78243061, ClinGen allele CA6099472.
Genomic context (GRCh38, chr11:65,526,041, plus strand): 5'-GCGAGAGTGGAGGCTGGTGGCCTGAAGGAGCTGGAGATCTCCTGGGGGCTACACCAGATC[G>A]TGGTGAGGTGGGGGGCAGTGGTGATGAGAGCAGGGATGGGGGGTTGCAGGTGCTGGGGCG-3'
Protein context (NP_065731.3, residues 115-135): LEISWGLHQI[Val125Met]KALSFLVNDC